The following is an entry in ClinVar:

NM_198253.3(TERT):c.2733C>A (p.Asp911Glu)

Gene: TERT (telomerase reverse transcriptase; minus strand). Cytogenetic location: 5p15.33.
Variant type: single nucleotide variant.
Coding change: c.2733C>A on transcript NM_198253.3 (MANE Select); coding-DNA position 2733, C replaced by A.
Protein change: p.Asp911Glu; replaces aspartic acid 911 with glutamic acid.
Molecular consequence: missense variant. On other transcripts: intron variant (1).
Genome position (GRCh38, 1-based): chr5:1,264,514, G>T on the plus strand (C>A on the coding strand, the complement: TERT is on the minus strand). VCF-style: chr5-1264514-G-T. GRCh37 (hg19) VCF-style: chr5-1264629-G-T.
Other names: c.2733C>A, p.Asp911Glu (NM_003219.1); c.2654+1950C>A (NM_001193376.3); short protein forms D911E.
Identifiers: ClinVar variation 3238577 (VCV003238577.1), dbSNP rs768646695.

ClinVar aggregate classification (germline): Uncertain significance (1 of 4 stars; one submission).

Conditions:
Dyskeratosis congenita. Identifiers: Orphanet 1775, MedGen C0265965, MONDO:0015780.

Submission:

Ambry Genetics
Classification: Uncertain significance for Dyskeratosis congenita. Last evaluated: 2023-05-14. Review status: criteria provided, single submitter. Criteria: Ambry Variant Classification Scheme 2023. Collection method: clinical testing. Allele origin: germline.
Comment: The p.D911E variant (also known as c.2733C>A), located in coding exon 11 of the TERT gene, results from a C to A substitution at nucleotide position 2733. The aspartic acid at codon 911 is replaced by glutamic acid, an amino acid with highly similar properties. This amino acid position is conserved. In addition, this alteration is predicted to be tolerated by in silico analysis. Since supporting evidence is limited at this time, the clinical significance of this alteration remains unclear.